The following is an entry in ClinVar:

ClinVar aggregate classification (germline): Uncertain significance. Review status: criteria provided, multiple submitters, no conflicts (2 of 4 stars). 2 submissions from 2 submitters: Uncertain significance (2). Last evaluated 2025-12-03.

Conditions:
Neuronal ceroid lipofuscinosis 1 (CLN1). Also called: CEROID LIPOFUSCINOSIS, NEURONAL, 1, VARIABLE AGE AT ONSET; PPT1-Related Neuronal Ceroid-Lipofuscinosis. Identifiers: Orphanet 228329, MedGen C1850451, MONDO:0009744, OMIM 256730.

gnomAD v4.1: 1 of 1,613,678 alleles (0.000062%); highest among the groups gnomAD compares: Non-Finnish European, 0.000085%; no homozygotes.

Submissions (2):

Labcorp Genetics (formerly Invitae), Labcorp
Classification: Uncertain significance for Neuronal ceroid lipofuscinosis 1. Last evaluated: 2025-12-03. Review status: criteria provided, single submitter. Criteria: Invitae Variant Classification Sherloc (09022015). Collection method: clinical testing. Allele origin: germline.
Comment: This sequence change replaces lysine, which is basic and polar, with glutamine, which is neutral and polar, at codon 216 of the PPT1 protein (p.Lys216Gln). This variant is not present in population databases (gnomAD no frequency). This variant has not been reported in the literature in individuals affected with PPT1-related conditions. ClinVar contains an entry for this variant (Variation ID: 4055756). Invitae Evidence Modeling of protein sequence and biophysical properties (such as structural, functional, and spatial information, amino acid conservation, physicochemical variation, residue mobility, and thermodynamic stability) indicates that this missense variant is expected to disrupt PPT1 protein function with a positive predictive value of 95%. In summary, the available evidence is currently insufficient to determine the role of this variant in disease. Therefore, it has been classified as a Variant of Uncertain Significance.

GeneDx
Classification: Uncertain significance. Last evaluated: 2025-01-06. Review status: criteria provided, single submitter. Criteria: GeneDx Variant Classification Process June 2021. Collection method: clinical testing. Allele origin: germline. Affected: yes.
Comment: Not observed at significant frequency in large population cohorts (gnomAD); In silico analysis supports that this missense variant has a deleterious effect on protein structure/function; Has not been previously published as pathogenic or benign to our knowledge

NM_000310.4(PPT1):c.646A>C (p.Lys216Gln)

Gene: PPT1 (palmitoyl-protein thioesterase 1; minus strand). Cytogenetic location: 1p34.2.
Variant type: single nucleotide variant.
Coding change: c.646A>C on transcript NM_000310.4 (MANE Select); coding-DNA position 646, A replaced by C.
Protein change: p.Lys216Gln; replaces lysine 216 with glutamine.
Molecular consequence: missense variant.
Genome position (GRCh38, 1-based): chr1:40,078,640, T>G on the plus strand (A>C on the coding strand, the complement: PPT1 is on the minus strand). VCF-style: chr1-40078640-T-G. GRCh37 (hg19) VCF-style: chr1-40544312-T-G.
Other names: c.337A>C, p.Lys113Gln (NM_001142604.2); c.646A>C, p.Lys216Gln (NM_001363695.2); short protein forms K216Q, K113Q.
Identifiers: ClinVar variation 4055756 (VCV004055756.2).